The following is an entry in ClinVar:

NM_000719.7(CACNA1C):c.4216G>A (p.Val1406Met)

Gene: CACNA1C (calcium voltage-gated channel subunit alpha1 C; plus strand). Cytogenetic location: 12p13.33.
Variant type: single nucleotide variant.
Coding change: c.4216G>A on transcript NM_000719.7 (MANE Select); coding-DNA position 4216, G replaced by A.
Protein change: p.Val1406Met; replaces valine 1406 with methionine.
Molecular consequence: missense variant.
Genome position (GRCh38, 1-based): chr12:2,655,222, G>A. VCF-style: chr12-2655222-G-A. GRCh37 (hg19) VCF-style: chr12-2764388-G-A.
Other names: p.V1406M:GTG>ATG; c.4360G>A, p.Val1454Met (NM_001129827.2, NM_199460.4); c.4282G>A, p.Val1428Met (NM_001129829.2); c.4216G>A, p.Val1406Met (NM_001129830.3, NM_001129833.2, NM_001129834.2 and 7 more transcripts); c.4300G>A, p.Val1434Met (NM_001129831.2); c.4276G>A, p.Val1426Met (NM_001129832.2); c.4267G>A, p.Val1423Met (NM_001129836.2); c.4183G>A, p.Val1395Met (NM_001129837.2, NM_001129838.2, NM_001129846.2 and 1 more transcripts); and 2 more; short protein forms V1406M, V1454M, V1393M, V1423M, V1426M, V1434M, V1428M, V1395M.
Identifiers: ClinVar variation 190672 (VCV000190672.6), dbSNP rs753204879, ClinGen allele CA301519.

ClinVar aggregate classification (germline): Uncertain significance. Review status: criteria provided, multiple submitters, no conflicts (2 of 4 stars). 2 submissions from 2 submitters: Uncertain significance (2). Last evaluated 2022-06-03.

Conditions:
Long QT syndrome (LQTS). Identifiers: MedGen C0023976, MeSH D008133, MONDO:0002442. Disease mechanism: loss of function. Inheritance: Various modes of inheritance.

gnomAD v4.1: 1 of 1,611,524 alleles (0.000062%); highest among the groups gnomAD compares: Non-Finnish European, 0.000085%; no homozygotes.

Submissions (2):

Labcorp Genetics (formerly Invitae), Labcorp
Classification: Uncertain significance for Long QT syndrome. Last evaluated: 2022-06-03. Review status: criteria provided, single submitter. Criteria: Invitae Variant Classification Sherloc (09022015). Collection method: clinical testing. Allele origin: germline.
Comment: In summary, the available evidence is currently insufficient to determine the role of this variant in disease. Therefore, it has been classified as a Variant of Uncertain Significance. Algorithms developed to predict the effect of missense changes on protein structure and function are either unavailable or do not agree on the potential impact of this missense change (SIFT: "Deleterious"; PolyPhen-2: "Probably Damaging"; Align-GVGD: "Class C0"). ClinVar contains an entry for this variant (Variation ID: 190672). This variant has not been reported in the literature in individuals affected with CACNA1C-related conditions. This variant is present in population databases (rs753204879, gnomAD 0.0009%). This sequence change replaces valine, which is neutral and non-polar, with methionine, which is neutral and non-polar, at codon 1406 of the CACNA1C protein (p.Val1406Met).

GeneDx
Classification: Uncertain significance. Last evaluated: 2013-11-08. Review status: criteria provided, single submitter. Criteria: GeneDx Variant Classification (06012015). Collection method: clinical testing. Allele origin: germline. Affected: yes.
Comment: p.Val1406Met (GTG>ATG): c.4216 G>A in exon 34 of the CACNA1C gene (NM_000719.6). The Val1406Met variant in the CACNA1C gene has not been reported as a disease-causing mutation or as a benign polymorphism to our knowledge. Val1406Met results in a conservative amino acid substitution of one non-polar amino acid for another at a position that is conserved across species. In silico analysis predicts Val1406Met is damaging to the protein structure/function. The Val1406Met variant was not observed in approximately 6,500 individuals of European and African American ancestry in the NHLBI Exome Sequencing Project, indicating it is not a common benign variant in these populations. However, no other disease-causing mutations have been reported in surrounding residues of the CACNA1C protein, indicating this region may be tolerant of change. With the clinical and molecular information available at this time, we cannot definitively determine if Val1406Met is a disease-causing mutation or a rare benign variant. The variant is found in LQT panel(s).